The following continues an entry in ClinVar:

NM_000257.4(MYH7):c.4377G>T (p.Lys1459Asn)

ClinVar aggregate classification (germline): Likely benign. Likely benign (1).

Submissions 8 to 22 of 27:

Blueprint Genetics
Classification: Likely benign. Last evaluated: 2024-10-17. Review status: criteria provided, single submitter. Criteria: ACMG Guidelines, 2015. Collection method: clinical testing. Allele origin: germline. Not counted in ClinVar's aggregate classification.

All of Us Research Program, National Institutes of Health
Classification: Uncertain significance for Cardiomyopathy. Last evaluated: 2024-01-11. Review status: criteria provided, single submitter. Criteria: ACMG Guidelines, 2015. Collection method: clinical testing. Allele origin: germline. Inheritance: Autosomal dominant inheritance. Observed: 66 variant alleles, 66 heterozygotes. Not counted in ClinVar's aggregate classification.
Comment: This missense variant replaces lysine with asparagine at codon 1459 of the MYH7 protein. Computational prediction suggests that this variant may have deleterious impact on protein structure and function (internally defined REVEL score threshold >= 0.7, PMID: 27666373). To our knowledge, functional studies have not been reported for this variant. This variant has been reported in multiple individuals affected with hypertrophic cardiomyopathy (PMID: 17125710, 19150014, 22765922, 24793961, 28356264), in an individual affected with Ebstein anomaly (PMID: 21127202), and in an individual affected with dilated cardiomyopathy (PMID: 30871747). This variant has also been identified in 83/282640 chromosomes in the general population by the Genome Aggregation Database (gnomAD). The relatively high frequency of this variant in the general population suggests that this variant is unlikely to be disease-causing. However, additional studies are necessary to determine the role of this variant in disease conclusively. Therefore, this variant is classified as a Variant of Uncertain Significance.

This study involves interpretation of variants in research participants for the purpose of population health screening. Participant phenotype was not available at the time of variant classification. Additional details can be found in publication PMID: 35346344, PMCID: PMC8962531

CHEO Genetics Diagnostic Laboratory, Children's Hospital of Eastern Ontario
Classification: Likely benign for Cardiomyopathy. Last evaluated: 2022-12-07. Review status: criteria provided, single submitter. Criteria: ACMG Guidelines, 2015. Collection method: clinical testing. Allele origin: germline. Not counted in ClinVar's aggregate classification.

Fulgent Genetics
Classification: Likely benign for MYH7-related skeletal myopathy; Myosin storage myopathy; Hypertrophic cardiomyopathy 1; Myopathy, myosin storage, autosomal recessive; Congenital myopathy 4A, autosomal dominant; Dilated cardiomyopathy 1S. Last evaluated: 2021-11-23. Review status: criteria provided, single submitter. Criteria: ACMG Guidelines, 2015. Collection method: clinical testing. Allele origin: unknown. Not counted in ClinVar's aggregate classification.

Revvity Omics, Revvity
Classification: Uncertain significance. Last evaluated: 2021-10-12. Review status: criteria provided, single submitter. Criteria: ACMG Guidelines, 2015. Collection method: clinical testing. Allele origin: germline. Not counted in ClinVar's aggregate classification.

Victorian Clinical Genetics Services, Murdoch Childrens Research Institute
Classification: Likely benign for Hypertrophic cardiomyopathy 1. Last evaluated: 2021-05-06. Review status: criteria provided, single submitter. Criteria: ACMG Guidelines, 2015. Collection method: clinical testing. Allele origin: germline. Inheritance: Autosomal dominant inheritance. Not counted in ClinVar's aggregate classification.
Comment: Based on the classification scheme VCGS_Germline_v1.3.4, this variant is classified as Likely Benign. Following criteria are met: 0105 - The mechanism of disease for this gene is not clearly established however, missense variants have been proposed to act in a dominant negative manner (PMID: 24714796). (I) 0107 - This gene is associated with autosomal dominant disease. (I) 0112 - The condition associated with this gene has incomplete penetrance. Hypertrophic cardiomyopathy is known to be an incompletely penetrant disease, although data specific to this gene is lacking (PMID: 29300372). (I) 0200 - Variant is predicted to result in a missense amino acid change from lysine to asparagine. (I) 0251 - This variant is heterozygous. (I) 0308 - Population frequency for this variant is out of keeping with known incidence of MYH7-related disease. (SB) 0502 - Missense variant with conflicting in silico predictions and uninformative conservation. (I) 0600 - Variant is located in the annotated myosin tail domain (Pfam). (I) 0805 - This variant has strong previous evidence of being benign in unrelated individuals. Although this variant has conflicting interpretations in ClinVar, it has been reviewed as likely benign by the ClinGen expert panel (ClinGen). (SB) 1208 - Inheritance information for this variant is not currently available in this individual. (I) Legend: (SP) - Supporting pathogenic, (I) - Information, (SB) - Supporting benign

Ambry Genetics
Classification: Likely benign for Cardiovascular phenotype. Last evaluated: 2020-04-08. Review status: criteria provided, single submitter. Criteria: Ambry Variant Classification Scheme 2023. Collection method: clinical testing. Allele origin: germline. Not counted in ClinVar's aggregate classification.

Centre for Mendelian Genomics, University Medical Centre Ljubljana
Classification: Uncertain significance for Congenital myopathy 4A, autosomal dominant. Last evaluated: 2019-05-16. Review status: criteria provided, single submitter. Criteria: ACMG Guidelines, 2015. Collection method: clinical testing. Allele origin: unknown. Affected: yes. Not counted in ClinVar's aggregate classification.
Comment: This variant was classified as: Uncertain significance. The available evidence on this variant's pathogenicity is insufficient or conflicting. The following ACMG criteria were applied in classifying this variant: PP2,PP3,BP6.

Laboratory for Molecular Medicine, Mass General Brigham Personalized Medicine
Classification: Likely benign. Last evaluated: 2018-05-11. Review status: criteria provided, single submitter. Criteria: LMM Criteria. Collection method: clinical testing. Allele origin: germline. Observed: 12 variant alleles. Not counted in ClinVar's aggregate classification.
Comment: p.Lys1459Asn in exon 32 of MYH7: This variant is not expected to have clinical s ignificance because it has been identified in 0.05% (66/126506) of European chro mosomes by the Genome Aggregation Database (gnomAD .org/; dbSNP rs201307101). ACMG/AMP Criteria applied: PP3; BS1.

Molecular Diagnostic Laboratory for Inherited Cardiovascular Disease, Montreal Heart Institute
Classification: Likely pathogenic for Primary familial hypertrophic cardiomyopathy. Last evaluated: 2017-07-20. Review status: criteria provided, single submitter. Criteria: ACMG Guidelines, 2015. Collection method: clinical testing. Allele origin: germline. Affected: yes. Not counted in ClinVar's aggregate classification.

Illumina Laboratory Services, Illumina
Classification: Uncertain significance for Myosin storage myopathy. Last evaluated: 2017-06-20. Review status: criteria provided, single submitter. Criteria: ICSL Variant Classification Criteria 13 December 2019. Collection method: clinical testing. Allele origin: germline. Not counted in ClinVar's aggregate classification.

Illumina Laboratory Services, Illumina
Classification: Benign for MYH7-related skeletal myopathy. Last evaluated: 2017-06-20. Review status: criteria provided, single submitter. Criteria: ICSL Variant Classification Criteria 13 December 2019. Collection method: clinical testing. Allele origin: germline. Not counted in ClinVar's aggregate classification.
Comment: This variant was observed as part of a predisposition screen in an ostensibly healthy population. A literature search was performed for the gene, cDNA change, and amino acid change (where applicable). No publications were found based on this search. Allele frequency data from public databases was too high to be consistent with this variant causing disease. Therefore, this variant is classified as benign.

Illumina Laboratory Services, Illumina
Classification: Uncertain significance for Hypertrophic cardiomyopathy 1. Last evaluated: 2017-06-20. Review status: criteria provided, single submitter. Criteria: ICSL Variant Classification Criteria 13 December 2019. Collection method: clinical testing. Allele origin: germline. Not counted in ClinVar's aggregate classification.
Comment: This variant was observed as part of a predisposition screen in an ostensibly healthy population. A literature search was performed for the gene, cDNA change, and amino acid change (where applicable). Publications were found based on this search. However, the evidence from the literature, in combination with allele frequency data from public databases where available, was not sufficient to rule this variant in or out of causing disease. Therefore, this variant is classified as a variant of unknown significance.

Agnes Ginges Centre for Molecular Cardiology, Centenary Institute
Classification: Uncertain significance for Familial hypertrophic cardiomyopathy 1. Last evaluated: 2014-12-17. Review status: criteria provided, single submitter. Criteria: Agnes Ginges Centre for Molecular Cardiology criteria (2015). Collection method: research. Allele origin: germline. Inheritance: Autosomal dominant inheritance. Affected: yes. Not counted in ClinVar's aggregate classification.
Comment: This MYH7 Lys1459Asn variant was first reported by Van Driest SL, et al. (2004) as a novel variant in one HCM idex case. It has since been identified in other HCM patients (Laredo R, et al., 2007; García-Castro M, et al., 2009; Marsiglia JD, et al., 2013), and has also been identified in one sporadic case of Ebstein anomaly (Postma AV, et al., 2011). Segregation analysis by Laredo R, et al. (2007) identified 4 family members of the index case to be carriers of the MYH7 Lys1459Asn variant - 1 individual with mild disease; and 3 clinically unaffected family members (all >30 years old). We have identified this variant in 2 unrelated HCM cases, both of whom carry either a second pathogenic or likely pathogenic variant. Segregation analysis in one family did not show this MYH7 Lys1459Asn variant to segregate with disease (3 of 4 clinically affected individuals are not carriers). This variant is present (MAF=0.0003016) in the Exome Aggregation Consortium dataset. Computational tools SIFT predicts this variant to be "deleterious", however, no prediction is called by PolyPhen-HCM. In summary, although this variant is present at a low frequency, weak or no evidence of the variant segregating with disease casts doubt on its role as the primary cause of HCM. We cannot rule out its potential as a modifying variant however, further evidence is required to fully understand its pathogenic role. Thus, we classify this variant as of "unknown significance".

Eurofins Ntd Llc (ga)
Classification: Uncertain significance. Last evaluated: 2014-09-01. Review status: criteria provided, single submitter. Criteria: EGL Classification Definitions 2015. Collection method: clinical testing. Allele origin: germline. Observed: 2 variant alleles, 2 heterozygotes. Not counted in ClinVar's aggregate classification.